The following is an entry in ClinVar:

NM_002439.5(MSH3):c.2697G>A (p.Met899Ile)

Gene: MSH3 (mutS homolog 3; plus strand). Cytogenetic location: 5q14.1.
Variant type: single nucleotide variant.
Coding change: c.2697G>A on transcript NM_002439.5 (MANE Select); coding-DNA position 2697, G replaced by A.
Protein change: p.Met899Ile; replaces methionine 899 with isoleucine.
Molecular consequence: missense variant.
Genome position (GRCh38, 1-based): chr5:80,813,625, G>A. VCF-style: chr5-80813625-G-A. GRCh37 (hg19) VCF-style: chr5-80109444-G-A.
Other names: c.2697G>A (NM_002439.3); short protein forms M899I.
Identifiers: ClinVar variation 846380 (VCV000846380.15), dbSNP rs1745047109, ClinGen allele CA360273889.

ClinVar aggregate classification (germline): Uncertain significance. Review status: criteria provided, multiple submitters, no conflicts (2 of 4 stars). 3 submissions from 3 submitters: Uncertain significance (3). Last evaluated 2024-10-28.

Conditions:
Hereditary cancer-predisposing syndrome. Also called: Tumor predisposition; Hereditary neoplastic syndrome; Neoplastic Syndromes, Hereditary; Hereditary Cancer Syndrome. Identifiers: Orphanet 140162, MedGen C0027672, MeSH D009386, MONDO:0015356.

Allele frequency attached by ClinVar (database versions not stated): gnomAD 0.00001.
gnomAD v4.1: 1 of 1,613,996 alleles (0.000062%); highest among the groups gnomAD compares: African/African-American, 0.0013%; no homozygotes.

Submissions (3):

Labcorp Genetics (formerly Invitae), Labcorp
Classification: Uncertain significance. Last evaluated: 2024-10-28. Review status: criteria provided, single submitter. Criteria: Invitae Variant Classification Sherloc (09022015). Collection method: clinical testing. Allele origin: germline.
Comment: This sequence change replaces methionine, which is neutral and non-polar, with isoleucine, which is neutral and non-polar, at codon 899 of the MSH3 protein (p.Met899Ile). This variant is not present in population databases (gnomAD no frequency). This variant has not been reported in the literature in individuals affected with MSH3-related conditions. ClinVar contains an entry for this variant (Variation ID: 846380). An algorithm developed to predict the effect of missense changes on protein structure and function (PolyPhen-2) suggests that this variant is likely to be disruptive. In summary, the available evidence is currently insufficient to determine the role of this variant in disease. Therefore, it has been classified as a Variant of Uncertain Significance.

Quest Diagnostics Nichols Institute San Juan Capistrano
Classification: Uncertain significance. Last evaluated: 2023-08-29. Review status: criteria provided, single submitter. Criteria: Quest Diagnostics criteria. Collection method: clinical testing. Allele origin: unknown.
Comment: This variant has not been reported in the published literature. The frequency of this variant in the general population, 0.0000066 (1/152166 chromosomes (Genome Aggregation Database)), is uninformative in the assessment of its pathogenicity. Analysis of this variant using bioinformatics tools for the prediction of the effect of amino acid changes on protein structure and function yielded conflicting predictions that this variant is deleterious or benign. Based on the available information, we are unable to determine the clinical significance of this variant.

Ambry Genetics
Classification: Uncertain significance for Hereditary cancer-predisposing syndrome. Last evaluated: 2023-05-23. Review status: criteria provided, single submitter. Criteria: Ambry Variant Classification Scheme 2023. Collection method: clinical testing. Allele origin: germline.
Comment: The p.M899I variant (also known as c.2697G>A), located in coding exon 20 of the MSH3 gene, results from a G to A substitution at nucleotide position 2697. The methionine at codon 899 is replaced by isoleucine, an amino acid with highly similar properties. This amino acid position is highly conserved in available vertebrate species. In addition, this alteration is predicted to be deleterious by in silico analysis. Since supporting evidence is limited at this time, the clinical significance of this alteration remains unclear.